The following is an entry in ClinVar:

NM_005045.4(RELN):c.479C>T (p.Thr160Ile)

Gene: RELN (reelin; minus strand). Cytogenetic location: 7q22.1.
Variant type: single nucleotide variant.
Coding change: c.479C>T on transcript NM_005045.4 (MANE Select); coding-DNA position 479, C replaced by T.
Protein change: p.Thr160Ile; replaces threonine 160 with isoleucine.
Molecular consequence: missense variant.
Genome position (GRCh38, 1-based): chr7:103,776,622, G>A on the plus strand (C>T on the coding strand, the complement: RELN is on the minus strand). VCF-style: chr7-103776622-G-A. GRCh37 (hg19) VCF-style: chr7-103417069-G-A.
Other names: c.479C>T, p.Thr160Ile (NM_173054.3); short protein forms T160I.
Identifiers: ClinVar variation 1062742 (VCV001062742.9), dbSNP rs2116212281, ClinGen allele CA368930618.
Genomic context (GRCh38, chr7:103,776,622, plus strand): 5'-TGTTCACACAACTGCTGGGCTAAAGCATCTTTGAAAATAACCTGGCCCCGGTGTGTTGCT[G>A]TAGCCCTGGAAACAAATAGGAAAAGGTTAATTCAACTCTTGTAATATGTTTGGTGAAAAT-3'
Protein context (NP_005036.2, residues 150-170): AGTGCVNFMA[Thr160Ile]ATHRGQVIFK

ClinVar aggregate classification (germline): Uncertain significance (1 of 4 stars; one submission).

Conditions:
Norman-Roberts syndrome (LIS2). Also called: Lissencephaly 2 (Norman-Roberts type). Identifiers: Orphanet 89844, MedGen C0796089, MONDO:0009760, OMIM 257320.
Familial temporal lobe epilepsy 7. Identifiers: Orphanet 101046, MedGen C4225327, MONDO:0014639, OMIM 616436.

Allele frequency attached by ClinVar (database versions not stated): gnomAD exomes below 0.00001.

Submission:

Labcorp Genetics (formerly Invitae), Labcorp
Classification: Uncertain significance for Familial temporal lobe epilepsy 7; Norman-Roberts syndrome. Last evaluated: 2023-09-10. Review status: criteria provided, single submitter. Criteria: Invitae Variant Classification Sherloc (09022015). Collection method: clinical testing. Allele origin: germline.
Comment: ClinVar contains an entry for this variant (Variation ID: 1062742). This variant has not been reported in the literature in individuals affected with RELN-related conditions. This variant is not present in population databases (gnomAD no frequency). This sequence change replaces threonine, which is neutral and polar, with isoleucine, which is neutral and non-polar, at codon 160 of the RELN protein (p.Thr160Ile). Advanced modeling of protein sequence and biophysical properties (such as structural, functional, and spatial information, amino acid conservation, physicochemical variation, residue mobility, and thermodynamic stability) performed at Invitae indicates that this missense variant is not expected to disrupt RELN protein function. In summary, the available evidence is currently insufficient to determine the role of this variant in disease. Therefore, it has been classified as a Variant of Uncertain Significance.